The following is an entry in ClinVar:

ClinVar aggregate classification (germline): Uncertain significance (1 of 4 stars; one submission).

Conditions:
Nephrolithiasis/nephrocalcinosis. Identifiers: MedGen CN580796.

Submission:

Ambry Genetics
Classification: Uncertain significance for Nephrolithiasis/nephrocalcinosis. Last evaluated: 2023-10-06. Review status: criteria provided, single submitter. Criteria: Ambry Variant Classification Scheme 2023. Collection method: clinical testing. Allele origin: germline.
Comment: The p.G1034V variant (also known as c.3101G>T), located in coding exon 6 of the CASR gene, results from a G to T substitution at nucleotide position 3101. The glycine at codon 1034 is replaced by valine, an amino acid with dissimilar properties. This amino acid position is conserved. In addition, the in silico prediction for this alteration is inconclusive. Since supporting evidence is limited at this time, the clinical significance of this alteration remains unclear.

NM_000388.4(CASR):c.3101G>T (p.Gly1034Val)

Gene: CASR (calcium sensing receptor; plus strand). Cytogenetic location: 3q21.1.
Variant type: single nucleotide variant.
Coding change: c.3101G>T on transcript NM_000388.4 (MANE Select); coding-DNA position 3101, G replaced by T.
Protein change: p.Gly1034Val; replaces glycine 1034 with valine.
Molecular consequence: missense variant.
Genome position (GRCh38, 1-based): chr3:122,285,055, G>T. VCF-style: chr3-122285055-G-T. GRCh37 (hg19) VCF-style: chr3-122003902-G-T.
Other names: c.3131G>T, p.Gly1044Val (NM_001178065.2); short protein forms G1034V, G1044V.
Identifiers: ClinVar variation 3231569 (VCV003231569.1), dbSNP rs2473283733, ClinGen allele CA354161439.
Genomic context (GRCh38, chr3:122,285,055, plus strand): 5'-TCCCGCTGCAGTGCGGGGAAACGGACTTAGATCTGACCGTCCAGGAAACAGGTCTGCAAG[G>T]ACCTGTGGGTGGAGACCAGCGGCCAGAGGTGGAGGACCCTGAAGAGTTGTCCCCAGCACT-3'
Protein context (NP_000379.3, residues 1024-1044): DLTVQETGLQ[Gly1034Val]PVGGDQRPEV